The following is an entry in ClinVar:

ClinVar aggregate classification (germline): Uncertain significance (1 of 4 stars; one submission).

Allele frequency attached by ClinVar (database versions not stated): TOPMed below 0.00001; gnomAD 0.00001.
gnomAD v4.1: 1 of 1,609,858 alleles (0.000062%); highest among the groups gnomAD compares: Non-Finnish European, 0.000085%; no homozygotes.

Submission:

Ambry Genetics
Classification: Uncertain significance. Last evaluated: 2021-12-30. Review status: criteria provided, single submitter. Criteria: Ambry Variant Classification Scheme 2023. Collection method: clinical testing. Allele origin: germline.
Comment: The p.G108E variant (also known as c.323G>A), located in coding exon 2 of the POLQ gene, results from a G to A substitution at nucleotide position 323. The glycine at codon 108 is replaced by glutamic acid, an amino acid with similar properties. This amino acid position is conserved. In addition, the in silico prediction for this alteration is inconclusive. Since supporting evidence is limited at this time, the clinical significance of this alteration remains unclear.

NM_199420.4(POLQ):c.323G>A (p.Gly108Glu)

Gene: POLQ (DNA polymerase theta; minus strand). Cytogenetic location: 3q13.33.
Variant type: single nucleotide variant.
Coding change: c.323G>A on transcript NM_199420.4 (MANE Select); coding-DNA position 323, G replaced by A.
Protein change: p.Gly108Glu; replaces glycine 108 with glutamic acid.
Molecular consequence: missense variant.
Genome position (GRCh38, 1-based): chr3:121,544,747, C>T on the plus strand (G>A on the coding strand, the complement: POLQ is on the minus strand). VCF-style: chr3-121544747-C-T. GRCh37 (hg19) VCF-style: chr3-121263594-C-T.
Other names: short protein forms G108E.
Identifiers: ClinVar variation 1729280 (VCV001729280.2), dbSNP rs1426803493, ClinGen allele CA354094246.